The following is an entry in ClinVar:

ClinVar aggregate classification (germline): Benign/Likely benign. Review status: criteria provided, multiple submitters, no conflicts (2 of 4 stars). 4 submissions from 4 submitters: Benign (1); Likely benign (2). 1 of the submissions does not count toward it. Last evaluated 2025-11-17.

Conditions:
Inborn genetic diseases. Identifiers: MedGen C0950123, MeSH D030342.
CREBBP-related disorder. Also called: CREBBP-related disorders; CREBBP-related condition.
Rubinstein-Taybi syndrome (RSTS). Identifiers: Orphanet 783, MedGen C0035934, MONDO:0019188.

Allele frequency attached by ClinVar (database versions not stated): TOPMed 0.00011; gnomAD 0.00012 and 0.00013; gnomAD exomes 0.00017 and 0.00026; ExAC 0.00024; ESP Exome Variant Server 0.00031.
gnomAD v4.1: 393 of 1,613,364 alleles (0.024%); highest among the groups gnomAD compares: Non-Finnish European, 0.032%; no homozygotes.

Submissions (4):

Labcorp Genetics (formerly Invitae), Labcorp
Classification: Likely benign for Rubinstein-Taybi syndrome. Last evaluated: 2025-11-17. Review status: criteria provided, single submitter. Criteria: Invitae Variant Classification Sherloc (09022015). Collection method: clinical testing. Allele origin: germline.

Ambry Genetics
Classification: Likely benign for Inborn genetic diseases. Last evaluated: 2021-12-20. Review status: criteria provided, single submitter. Criteria: Ambry Variant Classification Scheme 2023. Collection method: clinical testing. Allele origin: germline.

GeneDx
Classification: Benign. Last evaluated: 2020-09-29. Review status: criteria provided, single submitter. Criteria: GeneDx Variant Classification Process June 2021. Collection method: clinical testing. Allele origin: germline. Affected: yes.

PreventionGenetics, part of Exact Sciences
Classification: Likely benign for CREBBP-related condition. Last evaluated: 2022-04-10. Review status: no assertion criteria provided. Collection method: clinical testing. Allele origin: germline. Not counted in ClinVar's aggregate classification.
Comment: This variant is classified as likely benign based on ACMG/AMP sequence variant interpretation guidelines (Richards et al. 2015 PMID: 25741868, with internal and published modifications).

NM_004380.3(CREBBP):c.6656C>T (p.Ala2219Val)

Gene: CREBBP (CREB binding lysine acetyltransferase; minus strand). Cytogenetic location: 16p13.3.
Variant type: single nucleotide variant.
Coding change: c.6656C>T on transcript NM_004380.3 (MANE Select); coding-DNA position 6656, C replaced by T.
Protein change: p.Ala2219Val; replaces alanine 2219 with valine.
Molecular consequence: missense variant.
Genome position (GRCh38, 1-based): chr16:3,728,391, G>A on the plus strand (C>T on the coding strand, the complement: CREBBP is on the minus strand). VCF-style: chr16-3728391-G-A. GRCh37 (hg19) VCF-style: chr16-3778392-G-A.
Other names: c.6542C>T, p.Ala2181Val (NM_001079846.1); short protein forms A2181V, A2219V.
Identifiers: ClinVar variation 1261791 (VCV001261791.10), dbSNP rs150461438, ClinGen allele CA7869034.
Genomic context (GRCh38, chr16:3,728,391, plus strand): 5'-CCTCCGGGTCCTTGAGGCTGCTGGAACTGGCCGTGCCCCGCCATGCCCCCAGCCATGCCG[G>A]CACTCCCTTGCTGCTGCTGCTGTTGCTGCTGTTGTTGCTGCTGCTGTTGCTGCTGCTGCT-3'
Protein context (NP_004371.2, residues 2209-2229): QQQQQQQQGS[Ala2219Val]GMAGGMAGHG